The following is an entry in ClinVar:

NM_002047.4(GARS1):c.1031+14T>G

Gene: GARS1 (glycyl-tRNA synthetase 1; plus strand). Cytogenetic location: 7p14.3.
Variant type: single nucleotide variant.
Coding change: c.1031+14T>G on transcript NM_002047.4 (MANE Select); 14 bases into the intron after coding-DNA position 1031, T replaced by G.
Molecular consequence: intron variant.
Genome position (GRCh38, 1-based): chr7:30,612,259, T>G. VCF-style: chr7-30612259-T-G. GRCh37 (hg19) VCF-style: chr7-30651875-T-G.
Other names: c.1031+14T>G (LRG_243t1); c.869+14T>G (NM_001316772.1).
Identifiers: ClinVar variation 258530 (VCV000258530.45), dbSNP rs189589556, ClinGen allele CA4205866.

ClinVar aggregate classification (germline): Benign/Likely benign. Review status: criteria provided, multiple submitters, no conflicts (2 of 4 stars). 13 submissions from 11 submitters: Benign (7); Likely benign (4). 2 of the submissions do not count toward it. Last evaluated 2026-09-01.

Conditions:
Distal spinal muscular atrophy. Also called: Distal hereditary motor neuropathy; Distal hereditary motor neuronopathy. Identifiers: Orphanet 53739, MedGen C0393541, MONDO:0018894.
Charcot-Marie-Tooth disease. Also called: Charcot-Marie-Tooth Hereditary Neuropathy; Charcot-Marie-Tooth Neuropathy. Identifiers: Orphanet 166, MedGen C0007959, MONDO:0015626.
Charcot-Marie-Tooth disease type 2. Also called: Charcot-Marie-Tooth type 2. Identifiers: Orphanet 64746, MedGen C0270914, MONDO:0018993.
Charcot-Marie-Tooth disease type 2D (CMT2D). Also called: Charcot-Marie-Tooth Neuropathy Type 2D; CHARCOT-MARIE-TOOTH DISEASE, AXONAL, TYPE 2D; CHARCOT-MARIE-TOOTH DISEASE, NEURONAL, TYPE 2D; GARS1 Adolescent- or Early Adult-Onset Hereditary Motor/Sensory Neuropathy (GARS1-HMSN). Identifiers: Orphanet 99938, MedGen C1832274, MONDO:0011091, OMIM 601472.
Neuronopathy, distal hereditary motor, type 5A (HMND5). Also called: Distal Spinal Muscular Atrophy V (dSMA-V); DHMN VA; Distal Spinal Muscular Atrophy V; NEURONOPATHY, DISTAL HEREDITARY MOTOR, AUTOSOMAL DOMINANT 5. Identifiers: Orphanet 139536, MedGen CN031873, MONDO:0015353, OMIM 600794.

Allele frequency attached by ClinVar (database versions not stated): 1000 Genomes Project 30x 0.00078; 1000 Genomes Project 0.00080; gnomAD exomes 0.00175 and 0.00332; ESP Exome Variant Server 0.00185; ExAC 0.00201; gnomAD 0.00210 and 0.00213; TOPMed 0.00215.
gnomAD v4.1: 5,171 of 1,612,824 alleles (0.32%); highest among the groups gnomAD compares: Non-Finnish European, 0.39%; 20 homozygotes.

Submissions (18):

CeGaT Center for Human Genetics Tuebingen
Classification: Likely benign. Last evaluated: 2026-09-01. Review status: criteria provided, single submitter. Criteria: CeGaT Center For Human Genetics Tuebingen Variant Classification Criteria Version 2. Collection method: clinical testing. Allele origin: germline. Affected: yes. Observed: 10 variant alleles.
Comment: GARS1: PP3, BS2

Labcorp Genetics (formerly Invitae), Labcorp
Classification: Benign for Charcot-Marie-Tooth disease type 2. Last evaluated: 2026-02-01. Review status: criteria provided, single submitter. Criteria: Invitae Variant Classification Sherloc (09022015). Collection method: clinical testing. Allele origin: germline.

ARUP Laboratories, Molecular Genetics and Genomics, ARUP Laboratories
Classification: Benign. Last evaluated: 2024-12-12. Review status: criteria provided, single submitter. Criteria: ARUP Molecular Germline Variant Investigation Process 2024. Collection method: clinical testing. Allele origin: germline.

Blueprint Genetics
Classification: Likely benign. Last evaluated: 2024-11-07. Review status: criteria provided, single submitter. Criteria: ACMG Guidelines, 2015. Collection method: clinical testing. Allele origin: germline.

Centre for Mendelian Genomics, University Medical Centre Ljubljana
Classification: Benign. Last evaluated: 2019-05-09. Review status: criteria provided, single submitter. Criteria: ACMG Guidelines, 2015. Collection method: clinical testing. Allele origin: unknown. Affected: yes.
Comment: This variant was classified as: Benign. The following ACMG criteria were applied in classifying this variant: BS1,BS2.

Illumina Laboratory Services, Illumina
Classification: Benign for Distal hereditary motor neuronopathy type 5. Last evaluated: 2018-01-12. Review status: criteria provided, single submitter. Criteria: ICSL Variant Classification Criteria 13 December 2019. Collection method: clinical testing. Allele origin: germline.
Comment: This variant was observed in the ICSL laboratory as part of a predisposition screen in an ostensibly healthy population. It had not been previously curated by ICSL or reported in the Human Gene Mutation Database (HGMD: prior to June 1st, 2018), and was therefore a candidate for classification through an automated scoring system. Utilizing variant allele frequency, disease prevalence and penetrance estimates, and inheritance mode, an automated score was calculated to assess if this variant is too frequent to cause the disease. Based on the score and internal cut-off values, a variant classified as benign is not then subjected to further curation. The score for this variant resulted in a classification of benign for this disease.

Illumina Laboratory Services, Illumina
Classification: Benign for Distal Spinal Muscular Atrophy. Last evaluated: 2018-01-12. Review status: criteria provided, single submitter. Criteria: ICSL Variant Classification Criteria 13 December 2019. Collection method: clinical testing. Allele origin: germline.
Comment: the same text as in the submission from Illumina Laboratory Services, Illumina above.

Illumina Laboratory Services, Illumina
Classification: Benign for Charcot-Marie-Tooth disease type 2D. Last evaluated: 2018-01-12. Review status: criteria provided, single submitter. Criteria: ICSL Variant Classification Criteria 13 December 2019. Collection method: clinical testing. Allele origin: germline.
Comment: the same text as in the submission from Illumina Laboratory Services, Illumina above.

GeneDx
Classification: Benign. Last evaluated: 2015-08-12. Review status: criteria provided, single submitter. Criteria: GeneDx Variant Classification (06012015). Collection method: clinical testing. Allele origin: germline. Affected: yes.
Comment: This variant is considered likely benign or benign based on one or more of the following criteria: it is a conservative change, it occurs at a poorly conserved position in the protein, it is predicted to be benign by multiple in silico algorithms, and/or has population frequency not consistent with disease.

Molecular Genetics Laboratory, London Health Sciences Centre
Classification: Likely benign for Charcot-Marie-Tooth disease. Review status: criteria provided, single submitter. Criteria: ACMG Guidelines, 2015. Collection method: clinical testing. Allele origin: germline. Affected: yes.

PreventionGenetics, part of Exact Sciences
Classification: Likely benign. Review status: criteria provided, single submitter. Criteria: ACMG Guidelines, 2015. Collection method: clinical testing. Allele origin: germline.

Clinical Genetics, Academic Medical Center
Classification: Benign. Review status: no assertion criteria provided. Collection method: clinical testing. Allele origin: germline. Affected: yes. Study: VKGL Data-share Consensus. Not counted in ClinVar's aggregate classification.

Dr. Peter K. Rogan Lab, Western University
No classification provided (evidence only). Condition: Lung cancer. Review status: no classification provided. Collection method: in vitro. Allele origin: not applicable. Functional consequence: retained intron. Not counted in ClinVar's aggregate classification.

Dr. Peter K. Rogan Lab, Western University
No classification provided (evidence only). Condition: Familial cancer of breast. Review status: no classification provided. Collection method: in vitro. Allele origin: not applicable. Functional consequence: retained intron. Not counted in ClinVar's aggregate classification.

Dr. Peter K. Rogan Lab, Western University
No classification provided (evidence only). Condition: Cervical cancer. Review status: no classification provided. Collection method: in vitro. Allele origin: not applicable. Functional consequence: retained intron. Not counted in ClinVar's aggregate classification.

Dr. Peter K. Rogan Lab, Western University
No classification provided (evidence only). Condition: Sarcoma. Review status: no classification provided. Collection method: in vitro. Allele origin: not applicable. Functional consequence: retained intron. Not counted in ClinVar's aggregate classification.

Dr. Peter K. Rogan Lab, Western University
No classification provided (evidence only). Condition: Chronic lymphocytic leukemia/small lymphocytic lymphoma. Review status: no classification provided. Collection method: in vitro. Allele origin: not applicable. Functional consequence: cryptic splice site, skipped exon, retained intron. Not counted in ClinVar's aggregate classification.

Genome Diagnostics Laboratory, University Medical Center Utrecht
Classification: Benign. Review status: no assertion criteria provided. Collection method: clinical testing. Allele origin: germline. Affected: yes. Study: VKGL Data-share Consensus. Not counted in ClinVar's aggregate classification.